The following is an entry in ClinVar:

ClinVar aggregate classification (germline): Conflicting classifications of pathogenicity. Review status: criteria provided, conflicting classifications (1 of 4 stars). 2 submissions from 2 submitters: Likely pathogenic (1); Uncertain significance (1). Last evaluated 2023-10-01.

Conditions:
PRPH2-related disorder. Also called: PRPH2-related disorders; PRPH2-related condition. Identifiers: MedGen CN239395.
Retinal dystrophy. Also called: Inherited retinal dystrophy. Identifiers: Orphanet 71862, MedGen C0854723, MeSH D058499, MONDO:0019118, HP:0000556.

gnomAD v4.1: 10 of 1,614,056 alleles (0.00062%); highest among the groups gnomAD compares: African/African-American, 0.0013%; no homozygotes.

Submissions (2):

Dept Of Ophthalmology, Nagoya University
Classification: Likely pathogenic for Retinal dystrophy. Last evaluated: 2023-10-01. Review status: criteria provided, single submitter. Criteria: Submitter's publication. Collection method: research. Allele origin: germline. Affected: yes.

Labcorp Genetics (formerly Invitae), Labcorp
Classification: Uncertain significance for PRPH2-related disorder. Last evaluated: 2020-03-11. Review status: criteria provided, single submitter. Criteria: Invitae Variant Classification Sherloc (09022015). Collection method: clinical testing. Allele origin: germline.
Comment: This sequence change replaces proline with serine at codon 219 of the PRPH2 protein (p.Pro219Ser). The proline residue is highly conserved and there is a moderate physicochemical difference between proline and serine. This variant is not present in population databases (ExAC no frequency). This variant has been observed in individual(s) affected with clinical features of retinitis pigmentosa (Invitae). Algorithms developed to predict the effect of missense changes on protein structure and function (SIFT, PolyPhen-2, Align-GVGD) all suggest that this variant is likely to be disruptive, but these predictions have not been confirmed by published functional studies and their clinical significance is uncertain. In summary, the available evidence is currently insufficient to determine the role of this variant in disease. Therefore, it has been classified as a Variant of Uncertain Significance.

NM_000322.5(PRPH2):c.655C>T (p.Pro219Ser)

Gene: PRPH2 (peripherin 2; minus strand). Cytogenetic location: 6p21.1.
Variant type: single nucleotide variant.
Coding change: c.655C>T on transcript NM_000322.5 (MANE Select); coding-DNA position 655, C replaced by T.
Protein change: p.Pro219Ser; replaces proline 219 with serine.
Molecular consequence: missense variant.
Genome position (GRCh38, 1-based): chr6:42,704,538, G>A on the plus strand (C>T on the coding strand, the complement: PRPH2 is on the minus strand). VCF-style: chr6-42704538-G-A. GRCh37 (hg19) VCF-style: chr6-42672276-G-A.
Other names: short protein forms P219S.
Identifiers: ClinVar variation 1895984 (VCV001895984.6), dbSNP rs749603273, ClinGen allele CA364135489.
Genomic context (GRCh38, chr6:42,704,538, plus strand): 5'-GGTGGTCGTAACTGTAGTGTGCTGAGTTGTTGGTGATCTGATACTGGATGCAGGGCCGTG[G>A]CGAGCTAGGATTGCAGCAGCTGAAAGGGACGCCGTCCACCAGGTACCGCCCATCCACGTT-3'
Protein context (NP_000313.2, residues 209-229): VPFSCCNPSS[Pro219Ser]RPCIQYQITN